The following is an entry in ClinVar:

NM_000359.3(TGM1):c.1159+1G>C

Gene: TGM1 (transglutaminase 1; minus strand). Cytogenetic location: 14q12.
Variant type: single nucleotide variant.
Coding change: c.1159+1G>C on transcript NM_000359.3 (MANE Select); the canonical splice donor site of the intron after coding-DNA position 1159, G replaced by C.
Molecular consequence: splice donor variant.
Genome position (GRCh38, 1-based): chr14:24,259,074, C>G on the plus strand (G>C on the coding strand, the complement: TGM1 is on the minus strand). VCF-style: chr14-24259074-C-G. GRCh37 (hg19) VCF-style: chr14-24728280-C-G.
Identifiers: ClinVar variation 2844369 (VCV002844369.3), dbSNP rs1220151696, ClinGen allele CA389263280.
Genomic context (GRCh38, chr14:24,259,074, plus strand): 5'-CTGGCTTTCCTCCCTTCTCCCTGTAGGGCCCGGGCCACTCCTGTCCCAGTCCCTCCACTA[C>G]CTGTGGTGGTCACGCCAGCAAAGACCCAGCACTGGCCATAGGGGACGGAATATCCCGTGC-3'

ClinVar aggregate classification (germline): Pathogenic (1 of 4 stars; one submission).

Submission:

Labcorp Genetics (formerly Invitae), Labcorp
Classification: Pathogenic. Last evaluated: 2023-03-09. Review status: criteria provided, single submitter. Criteria: Invitae Variant Classification Sherloc (09022015). Collection method: clinical testing. Allele origin: germline.
Comment: For these reasons, this variant has been classified as Pathogenic. This sequence change affects a donor splice site in intron 7 of the TGM1 gene. It is expected to disrupt RNA splicing. Variants that disrupt the donor or acceptor splice site typically lead to a loss of protein function (PMID: 16199547), and loss-of-function variants in TGM1 are known to be pathogenic (PMID: 18948357, 19241467). Algorithms developed to predict the effect of sequence changes on RNA splicing suggest that this variant may disrupt the consensus splice site. Disruption of this splice site has been observed in individual(s) with autosomal recessive congenital ichthyosis (PMID: 19241467, 31168818). This variant is not present in population databases (gnomAD no frequency).

Literature cited by the submitters: PubMed 16199547; PubMed 18948357; PubMed 19241467; PubMed 31168818.